The following is an entry in ClinVar:

ClinVar aggregate classification (germline): Uncertain significance. Review status: criteria provided, multiple submitters, no conflicts (2 of 4 stars). 2 submissions from 2 submitters: Uncertain significance (2). Last evaluated 2026-04-01.

Conditions:
Intellectual developmental disorder, autosomal recessive 5. Also called: Intellectual disability, autosomal recessive 5. Identifiers: Orphanet 88616, MedGen C1970199, MONDO:0012613, OMIM 611091.

Allele frequency attached by ClinVar (database versions not stated): gnomAD exomes 0.00003 and 0.00008; ExAC 0.00005; gnomAD 0.00005; TOPMed 0.00005; ESP Exome Variant Server 0.00015.
gnomAD v4.1: 59 of 1,613,720 alleles (0.0037%); highest among the groups gnomAD compares: Non-Finnish European, 0.00051%; 1 homozygote.

Submissions (2):

GeneDx
Classification: Uncertain significance. Last evaluated: 2026-04-01. Review status: criteria provided, single submitter. Criteria: GeneDx Variant Classification Process June 2021. Collection method: clinical testing. Allele origin: germline.
Comment: In silico analysis supports that this missense variant has a deleterious effect on protein structure/function; Has not been previously published as pathogenic or benign to our knowledge

Illumina Laboratory Services, Illumina
Classification: Uncertain significance for Intellectual developmental disorder, autosomal recessive 5. Last evaluated: 2018-01-12. Review status: criteria provided, single submitter. Criteria: ICSL Variant Classification Criteria 13 December 2019. Collection method: clinical testing. Allele origin: germline.

NM_017755.6(NSUN2):c.862A>G (p.Thr288Ala)

Gene: NSUN2 (NOP2/Sun RNA methyltransferase 2; minus strand). Cytogenetic location: 5p15.31.
Variant type: single nucleotide variant.
Coding change: c.862A>G on transcript NM_017755.6 (MANE Select); coding-DNA position 862, A replaced by G.
Protein change: p.Thr288Ala; replaces threonine 288 with alanine.
Molecular consequence: missense variant. On other transcripts: non-coding transcript variant (1).
Genome position (GRCh38, 1-based): chr5:6,617,978, T>C on the plus strand (A>G on the coding strand, the complement: NSUN2 is on the minus strand). VCF-style: chr5-6617978-T-C. GRCh37 (hg19) VCF-style: chr5-6618091-T-C.
Other names: c.757A>G, p.Thr253Ala (NM_001193455.2); short protein forms T288A, T253A.
Identifiers: ClinVar variation 907940 (VCV000907940.5), dbSNP rs373798103, ClinGen allele CA3192648.